The following is an entry in ClinVar:

ClinVar aggregate classification (germline): Pathogenic/Likely pathogenic. Review status: criteria provided, multiple submitters, no conflicts (2 of 4 stars). 6 submissions from 6 submitters: Pathogenic (2); Likely pathogenic (4). Last evaluated 2026-01-05.
ClinVar aggregate classification (somatic clinical impact): Tier II - Potential (1 of 4 stars; one submission).

Conditions:
Neurofibromatosis, type 1 (NF1). Also called: Peripheral type neurofibromatosis; Neurofibromatosis, type I; VON RECKLINGHAUSEN DISEASE; NEUROFIBROMATOSIS, TYPE I, SOMATIC. Identifiers: Orphanet 636, MedGen C0027831, MONDO:0018975, OMIM 162200. Disease mechanism: loss of function.
Cardiovascular phenotype. Identifiers: MedGen CN230736.
Hereditary cancer-predisposing syndrome. Also called: Tumor predisposition; Hereditary neoplastic syndrome; Neoplastic Syndromes, Hereditary; Hereditary Cancer Syndrome. Identifiers: Orphanet 140162, MedGen C0027672, MeSH D009386, MONDO:0015356.
Neurofibromatosis, familial spinal (FSNF). Identifiers: Orphanet 636, MedGen C1834235, MONDO:0008078, OMIM 162210. Disease mechanism: loss of function.
Neurofibromatosis-Noonan syndrome (NFNS). Also called: NEUROFIBROMATOSIS WITH NOONAN PHENOTYPE. Identifiers: Orphanet 638, MedGen C2931482, MONDO:0011035, OMIM 601321. Disease mechanism: loss of function.
Café-au-lait macules with pulmonary stenosis (WTSN). Also called: PULMONIC STENOSIS WITH CAFE-AU-LAIT SPOTS. Identifiers: MedGen C0553586, MONDO:0008672, OMIM 193520.
Juvenile myelomonocytic leukemia (JMML). Also called: LEUKEMIA, JUVENILE MYELOMONOCYTIC, SOMATIC. Identifiers: Orphanet 86834, MedGen C0349639, MONDO:0011908, OMIM 607785, HP:0012209.
Diffuse midline glioma, H3 K27M-mutant. Identifiers: MedGen C4289688, MONDO:0957196.

Allele frequency attached by ClinVar (database versions not stated): TOPMed below 0.00001; gnomAD 0.00001.
gnomAD v4.1: 1 of 1,614,048 alleles (0.000062%); highest among the groups gnomAD compares: Non-Finnish European, 0.000085%; no homozygotes.

Submissions (7):

Labcorp Genetics (formerly Invitae), Labcorp
Classification: Pathogenic for Neurofibromatosis, type 1. Last evaluated: 2026-01-05. Review status: criteria provided, single submitter. Criteria: Invitae Variant Classification Sherloc (09022015). Collection method: clinical testing. Allele origin: germline.
Comment: This sequence change replaces leucine, which is neutral and non-polar, with phenylalanine, which is neutral and non-polar, at codon 1196 of the NF1 protein (p.Leu1196Phe). This variant is not present in population databases (gnomAD no frequency). This missense change has been observed in individuals with clinical features of NF1-related conditions (PMID: 17103458, 22664660, 23047742, 27838393, 31776437). Invitae Evidence Modeling of clinical and family history, age, sex, and reported ancestry of multiple individuals with this NF1 variant has been performed. This variant is expected to be pathogenic with a positive predictive value of at least 99%. This is a validated machine learning model that incorporates the clinical features of 1,785,918 individuals referred to our laboratory for NF1 testing. ClinVar contains an entry for this variant (Variation ID: 1036158). Invitae Evidence Modeling of protein sequence and biophysical properties (such as structural, functional, and spatial information, amino acid conservation, physicochemical variation, residue mobility, and thermodynamic stability) indicates that this missense variant is expected to disrupt NF1 protein function with a positive predictive value of 95%. This variant disrupts the p.Leu1196 amino acid residue in NF1. Other variant(s) that disrupt this residue have been determined to be pathogenic (PMID: 15060124, 17103458, 22664660, 23047742, 27838393; internal data). This suggests that this residue is clinically significant, and that variants that disrupt this residue are likely to be disease-causing. For these reasons, this variant has been classified as Pathogenic.

Ambry Genetics
Classification: Likely pathogenic for Cardiovascular phenotype; Hereditary cancer-predisposing syndrome. Last evaluated: 2024-11-05. Review status: criteria provided, single submitter. Criteria: Ambry Variant Classification Scheme 2023. Collection method: clinical testing. Allele origin: germline.
Comment: The p.L1196F variant (also known as c.3586C>T), located in coding exon 27 of the NF1 gene, results from a C to T substitution at nucleotide position 3586. The leucine at codon 1196 is replaced by phenylalanine, an amino acid with highly similar properties. This variant was reported in multiple individuals with features consistent with Neurofibromatosis type 1 (Ben-Shachar S et al. Eur. J. Hum. Genet., 2013 May;21:535-9; Cal&igrave; F et al. Eur J Med Genet, 2017 Feb;60:93-99; Kang E et al. J Hum Genet, 2020 Jan;65:79-89; Ambry internal data). This variant was also detected as a de novo occurrence in an individual with a clinical diagnosis of Noonan syndrome who had cafe au lait spots, but did not meet NIH diagnostic criteria for Neurofibromatosis type 1 (NF1) (Croonen EA et al. Clin. Dysmorphol., 2012 Oct;21:212-4). This amino acid position is highly conserved in available vertebrate species. In addition, this alteration is predicted to be deleterious by in silico analysis. This variant is considered to be rare based on population cohorts in the Genome Aggregation Database (gnomAD). Based on the majority of available evidence to date, this variant is likely to be pathogenic.

Fulgent Genetics
Classification: Likely pathogenic for Neurofibromatosis, type 1; Neurofibromatosis, familial spinal; Café-au-lait macules with pulmonary stenosis; Neurofibromatosis-Noonan syndrome; Juvenile myelomonocytic leukemia. Last evaluated: 2024-01-09. Review status: criteria provided, single submitter. Criteria: ACMG Guidelines, 2015. Collection method: clinical testing. Allele origin: germline.

Institute for Genomic Medicine (IGM) Clinical Laboratory, Nationwide Children's Hospital
Classification: Tier II - Potential for Diffuse midline glioma, H3 K27M-mutant. Assertion type: diagnostic. Clinical significance: supports diagnosis. Last evaluated: 2024-01-04. Review status: criteria provided, single submitter. Criteria: AMP/ASCO/CAP Guidelines, 2017. Collection method: clinical testing. Allele origin: somatic. Affected: yes.
Comment: Variant has Tier II (potential) clinical significance as a diagnostic inclusion criterion in diffuse midline glioma, H3 K27M-mutant, based on the following evidence: 1) Documented in one or more cancer databases (e.g., St. Jude Pecan, COSMIC, CIViC, OncoKB). 2) Diagnostic significance based on multiple small studies (Evidence Level C; PMIDs: 24705251, 28966033, 33433639, 34796414, 32862234, 34759345, 32582540, 35456430).

CeGaT Center for Human Genetics Tuebingen
Classification: Likely pathogenic. Last evaluated: 2023-09-01. Review status: criteria provided, single submitter. Criteria: CeGaT Center For Human Genetics Tuebingen Variant Classification Criteria Version 2. Collection method: clinical testing. Allele origin: germline. Affected: yes. Observed: 1 variant allele.
Comment: NF1: PM1, PM2, PM5, PS4:Moderate, PP4

Department Of Biochemistry, Hamamatsu University School Of Medicine
Classification: Pathogenic for Neurofibromatosis, type 1. Last evaluated: 2023-05-15. Review status: criteria provided, single submitter. Criteria: ACMG Guidelines, 2015. Collection method: research. Allele origin: de novo. Inheritance: Sporadic. Affected: yes.
Comment: Sanger sequencing confirmed that this variant was de novo . This variant was absent from the public databases, including the Genome Aggregation Database (gnomAD) v3.1.2 , ToMMo 38KJPN Allele Frequency Panel , and 82 in-house Japanese exome control data. This variant was evolutionarily highly conserved and predicted to be deleterious by multiple pathogenicity prediction tools. Based on American College of Medical Genetics and Genomics standards and guidelines, the c.3586C>T, p.(Leu1196Phe) in NF1 was classified as pathogenic (PS1, PS2, PM2, PP3).

GeneDx
Classification: Likely pathogenic. Last evaluated: 2021-07-20. Review status: criteria provided, single submitter. Criteria: GeneDx Variant Classification Process June 2021. Collection method: clinical testing. Allele origin: germline. Affected: yes.
Comment: Not observed in large population cohorts (Lek et al., 2016); In silico analysis, which includes protein predictors and evolutionary conservation, supports a deleterious effect; This variant is associated with the following publications: (PMID: 23047742, 27838393, 34039477, 17103458, 27535533, 31776437, 22664660)

Literature cited by the submitters: PubMed 17103458 (cited by Labcorp Genetics (formerly Invitae), Labcorp and Ambry Genetics); PubMed 22664660 (cited by 3 submitters); PubMed 23047742 (cited by Labcorp Genetics (formerly Invitae), Labcorp and Ambry Genetics); PubMed 27838393 (cited by Labcorp Genetics (formerly Invitae), Labcorp and Ambry Genetics); PubMed 31776437 (cited by Labcorp Genetics (formerly Invitae), Labcorp and Ambry Genetics); PubMed 15060124 (cited by Labcorp Genetics (formerly Invitae), Labcorp and Ambry Genetics); PubMed 26740943 (cited by Ambry Genetics); PubMed 9687500 (cited by Ambry Genetics); PubMed 24705251 (cited by Institute for Genomic Medicine (IGM) Clinical Laboratory, Nationwide Children's Hospital); PubMed 28966033 (cited by Institute for Genomic Medicine (IGM) Clinical Laboratory, Nationwide Children's Hospital); PubMed 33433639 (cited by Institute for Genomic Medicine (IGM) Clinical Laboratory, Nationwide Children's Hospital); PubMed 34796414 (cited by Institute for Genomic Medicine (IGM) Clinical Laboratory, Nationwide Children's Hospital); PubMed 32862234 (cited by Institute for Genomic Medicine (IGM) Clinical Laboratory, Nationwide Children's Hospital); PubMed 34759345 (cited by Institute for Genomic Medicine (IGM) Clinical Laboratory, Nationwide Children's Hospital); PubMed 32582540 (cited by Institute for Genomic Medicine (IGM) Clinical Laboratory, Nationwide Children's Hospital); PubMed 35456430 (cited by Institute for Genomic Medicine (IGM) Clinical Laboratory, Nationwide Children's Hospital).

NM_001042492.3(NF1):c.3586C>T (p.Leu1196Phe)

Gene: NF1 (neurofibromin 1; plus strand). Cytogenetic location: 17q11.2.
Variant type: single nucleotide variant.
Coding change: c.3586C>T on transcript NM_001042492.3 (MANE Select); coding-DNA position 3586, C replaced by T.
Protein change: p.Leu1196Phe; replaces leucine 1196 with phenylalanine.
Molecular consequence: missense variant.
Genome position (GRCh38, 1-based): chr17:31,233,091, C>T. VCF-style: chr17-31233091-C-T. GRCh37 (hg19) VCF-style: chr17-29560109-C-T.
Other names: c.3586C>T, p.Leu1196Phe (NM_000267.4); short protein forms L1196F.
Identifiers: ClinVar variation 1036158 (VCV001036158.39), dbSNP rs1555615039, ClinGen allele CA398990192.